The following is an entry in ClinVar:

NM_014989.7(RIMS1):c.3048A>C (p.Gln1016His)

Gene: RIMS1 (regulating synaptic membrane exocytosis 1; plus strand). Cytogenetic location: 6q13.
Variant type: single nucleotide variant.
Coding change: c.3048A>C on transcript NM_014989.7 (MANE Select); coding-DNA position 3048, A replaced by C.
Protein change: p.Gln1016His; replaces glutamine 1016 with histidine.
Molecular consequence: missense variant.
Genome position (GRCh38, 1-based): chr6:72,259,106, A>C. VCF-style: chr6-72259106-A-C. GRCh37 (hg19) VCF-style: chr6-72968809-A-C.
Other names: c.3048A>C (NM_014989.4); c.1467A>C, p.Gln489His (NM_001168407.2, NM_001350415.2, NM_001350418.2 and 19 more transcripts); c.1470A>C, p.Gln490His (NM_001168408.2, NM_001350414.2, NM_001350416.2 and 15 more transcripts); c.1227A>C, p.Gln409His (NM_001168409.2, NM_001350464.2, NM_001350465.2 and 3 more transcripts); c.1425A>C, p.Gln475His (NM_001168410.2, NM_001350470.2, NM_001350473.2 and 1 more transcripts); c.1398A>C, p.Gln466His (NM_001350421.2, NM_001350430.2, NM_001350437.2 and 2 more transcripts); c.1401A>C, p.Gln467His (NM_001350424.2, NM_001350428.2, NM_001350459.2 and 1 more transcripts); c.1224A>C, p.Gln408His (NM_001350461.2, NM_001350463.2, NM_001350468.2); and 1 more; short protein forms Q1016H, Q408H, Q409H, Q466H, Q467H, Q474H, Q475H, Q489H.
Identifiers: ClinVar variation 1019292 (VCV001019292.7), dbSNP rs762076813, ClinGen allele CA3886102.
Genomic context (GRCh38, chr6:72,259,106, plus strand): 5'-CTCCCGAAGTCCAGTTGATCATAGAACCAGAGATGTGGATAGTCAGTATTTATCAGAACA[A>C]GACAGGTATTTGTCAAAATTATGATCTCAACGTTATGAATTTTTTGTTCTGTTTTAATAT-3'
Protein context (NP_055804.2, residues 1006-1026): RDVDSQYLSE[Gln1016His]DSELLMLPRA

ClinVar aggregate classification (germline): Uncertain significance. Review status: criteria provided, multiple submitters, no conflicts (2 of 4 stars). 2 submissions from 2 submitters: Uncertain significance (2). Last evaluated 2025-08-21.

Allele frequency attached by ClinVar (database versions not stated): ExAC 0.00002; gnomAD exomes 0.00002; TOPMed 0.00002.
gnomAD v4.1: 30 of 1,611,640 alleles (0.0019%); highest among the groups gnomAD compares: Admixed American, 0.0033%; no homozygotes.

Submissions (2):

Labcorp Genetics (formerly Invitae), Labcorp
Classification: Uncertain significance. Last evaluated: 2025-08-21. Review status: criteria provided, single submitter. Criteria: Invitae Variant Classification Sherloc (09022015). Collection method: clinical testing. Allele origin: germline.
Comment: This sequence change replaces glutamine, which is neutral and polar, with histidine, which is basic and polar, at codon 1016 of the RIMS1 protein (p.Gln1016His). This variant is present in population databases (rs762076813, gnomAD 0.003%). This variant has not been reported in the literature in individuals affected with RIMS1-related conditions. ClinVar contains an entry for this variant (Variation ID: 1019292). An algorithm developed to predict the effect of missense changes on protein structure and function (PolyPhen-2) suggests that this variant is likely to be tolerated. In summary, the available evidence is currently insufficient to determine the role of this variant in disease. Therefore, it has been classified as a Variant of Uncertain Significance.

Ambry Genetics
Classification: Uncertain significance. Last evaluated: 2025-06-18. Review status: criteria provided, single submitter. Criteria: Ambry Variant Classification Scheme 2023. Collection method: clinical testing. Allele origin: germline.